The following is an entry in ClinVar:

NM_004281.4(BAG3):c.388G>T (p.Ala130Ser)

Gene: BAG3 (BAG cochaperone 3; plus strand). Cytogenetic location: 10q26.11.
Variant type: single nucleotide variant.
Coding change: c.388G>T on transcript NM_004281.4 (MANE Select); coding-DNA position 388, G replaced by T.
Protein change: p.Ala130Ser; replaces alanine 130 with serine.
Molecular consequence: missense variant.
Genome position (GRCh38, 1-based): chr10:119,670,058, G>T. VCF-style: chr10-119670058-G-T. GRCh37 (hg19) VCF-style: chr10-121429570-G-T.
Other names: short protein forms A130S.
Identifiers: ClinVar variation 2453006 (VCV002453006.3), dbSNP rs1460426497, ClinGen allele CA378294992.
Genomic context (GRCh38, chr10:119,670,058, plus strand): 5'-CCTTTCCATGTCTATCCCCAGCCTGGGATGCAGCGATTCCGAACTGAGGCGGCAGCAGCG[G>T]CTCCTCAGAGGTCCCAGTCACCTCTGCGGGGCATGCCAGAAACCACTCAGCCAGATAAAC-3'
Protein context (NP_004272.2, residues 120-140): QRFRTEAAAA[Ala130Ser]PQRSQSPLRG

ClinVar aggregate classification (germline): Uncertain significance. Review status: criteria provided, multiple submitters, no conflicts (2 of 4 stars). 2 submissions from 2 submitters: Uncertain significance (2). Last evaluated 2025-11-28.

Conditions:
Dilated cardiomyopathy 1HH (CMD1HH). Identifiers: Orphanet 154, MedGen C3151293, MONDO:0013479, OMIM 613881.
Myofibrillar myopathy 6. Identifiers: Orphanet 199340, MedGen C2751831, MONDO:0013061, OMIM 612954.
Cardiovascular phenotype. Identifiers: MedGen CN230736.

Allele frequency attached by ClinVar (database versions not stated): gnomAD exomes below 0.00001.

Submissions (2):

Labcorp Genetics (formerly Invitae), Labcorp
Classification: Uncertain significance for Dilated cardiomyopathy 1HH; Myofibrillar myopathy 6. Last evaluated: 2025-11-28. Review status: criteria provided, single submitter. Criteria: Invitae Variant Classification Sherloc (09022015). Collection method: clinical testing. Allele origin: germline.
Comment: This sequence change replaces alanine, which is neutral and non-polar, with serine, which is neutral and polar, at codon 130 of the BAG3 protein (p.Ala130Ser). This variant is present in population databases (no rsID available, gnomAD 0.0009%). This variant has not been reported in the literature in individuals affected with BAG3-related conditions. ClinVar contains an entry for this variant (Variation ID: 2453006). Invitae Evidence Modeling of protein sequence and biophysical properties (such as structural, functional, and spatial information, amino acid conservation, physicochemical variation, residue mobility, and thermodynamic stability) indicates that this missense variant is not expected to disrupt BAG3 protein function with a negative predictive value of 80%. In summary, the available evidence is currently insufficient to determine the role of this variant in disease. Therefore, it has been classified as a Variant of Uncertain Significance.

Ambry Genetics
Classification: Uncertain significance for Cardiovascular phenotype. Last evaluated: 2023-02-12. Review status: criteria provided, single submitter. Criteria: Ambry Variant Classification Scheme 2023. Collection method: clinical testing. Allele origin: germline.
Comment: The p.A130S variant (also known as c.388G>T), located in coding exon 2 of the BAG3 gene, results from a G to T substitution at nucleotide position 388. The alanine at codon 130 is replaced by serine, an amino acid with similar properties. This amino acid position is conserved. In addition, this alteration is predicted to be tolerated by in silico analysis. Since supporting evidence is limited at this time, the clinical significance of this alteration remains unclear.